The following is an entry in ClinVar:

ClinVar aggregate classification (germline): Uncertain significance. Review status: criteria provided, multiple submitters, no conflicts (2 of 4 stars). 2 submissions from 2 submitters: Uncertain significance (2). Last evaluated 2025-09-27.

Conditions:
Inborn genetic diseases. Identifiers: MedGen C0950123, MeSH D030342.
Perlman syndrome (PRLMNS). Identifiers: Orphanet 2849, MedGen C0796113, MONDO:0009965, OMIM 267000.

Allele frequency attached by ClinVar (database versions not stated): gnomAD exomes 0.00001; ExAC 0.00002.
gnomAD v4.1: 4 of 1,612,888 alleles (0.00025%); highest among the groups gnomAD compares: Non-Finnish European, 0.00034%; no homozygotes.

Submissions (2):

Ambry Genetics
Classification: Uncertain significance for Inborn genetic diseases. Last evaluated: 2025-09-27. Review status: criteria provided, single submitter. Criteria: Ambry Variant Classification Scheme 2023. Collection method: clinical testing. Allele origin: germline.

Labcorp Genetics (formerly Invitae), Labcorp
Classification: Uncertain significance for Perlman syndrome. Last evaluated: 2024-03-07. Review status: criteria provided, single submitter. Criteria: Invitae Variant Classification Sherloc (09022015). Collection method: clinical testing. Allele origin: germline.
Comment: This sequence change replaces aspartic acid, which is acidic and polar, with asparagine, which is neutral and polar, at codon 130 of the DIS3L2 protein (p.Asp130Asn). This variant is present in population databases (rs759144528, gnomAD 0.003%). This variant has not been reported in the literature in individuals affected with DIS3L2-related conditions. ClinVar contains an entry for this variant (Variation ID: 857049). An algorithm developed to predict the effect of missense changes on protein structure and function (PolyPhen-2) suggests that this variant is likely to be tolerated. In summary, the available evidence is currently insufficient to determine the role of this variant in disease. Therefore, it has been classified as a Variant of Uncertain Significance.

NM_152383.5(DIS3L2):c.388G>A (p.Asp130Asn)

Gene: DIS3L2 (DIS3 like 3'-5' exoribonuclease 2; plus strand). Cytogenetic location: 2q37.1.
Variant type: single nucleotide variant.
Coding change: c.388G>A on transcript NM_152383.5 (MANE Select); coding-DNA position 388, G replaced by A.
Protein change: p.Asp130Asn; replaces aspartic acid 130 with asparagine.
Molecular consequence: missense variant. On other transcripts: non-coding transcript variant (2).
Genome position (GRCh38, 1-based): chr2:232,087,508, G>A. VCF-style: chr2-232087508-G-A. GRCh37 (hg19) VCF-style: chr2-232952218-G-A.
Other names: c.388G>A, p.Asp130Asn (NM_001257281.2, NM_001257282.2); short protein forms D130N.
Identifiers: ClinVar variation 857049 (VCV000857049.8), dbSNP rs759144528, ClinGen allele CA2163819.